The following is an entry in ClinVar:

NM_001261826.3(AP3D1):c.2668G>T (p.Val890Phe)

Gene: AP3D1 (adaptor related protein complex 3 subunit delta 1; minus strand). Cytogenetic location: 19p13.3.
Variant type: single nucleotide variant.
Coding change: c.2668G>T on transcript NM_001261826.3 (MANE Select); coding-DNA position 2668, G replaced by T.
Protein change: p.Val890Phe; replaces valine 890 with phenylalanine.
Molecular consequence: missense variant. On other transcripts: intron variant (1).
Genome position (GRCh38, 1-based): chr19:2,113,347, C>A on the plus strand (G>T on the coding strand, the complement: AP3D1 is on the minus strand). VCF-style: chr19-2113347-C-A. GRCh37 (hg19) VCF-style: chr19-2113346-C-A.
Other names: c.2668G>T, p.Val890Phe (NM_001374799.1); c.2601+778G>T (NM_003938.8); short protein forms V890F.
Identifiers: ClinVar variation 1720521 (VCV001720521.5), dbSNP rs536158441, ClinGen allele CA403207047.
Genomic context (GRCh38, chr19:2,113,347, plus strand): 5'-GACCTCTGCAGACACCGAGGCTGGCACTGGCCAGCTGCCAGTCTCTTACCGTGGATGGAA[C>A]GGGGGCGGGGGCGGGGGCGGGGGCAGGCGGTGGGGTGGTAGACAGCCAGAAGTCCAGGTC-3'
Protein context (NP_001248755.1, residues 880-900): PPAPAPAPAP[Val890Phe]PSTGELSVNT

ClinVar aggregate classification (germline): Uncertain significance (1 of 4 stars; one submission).

Allele frequency attached by ClinVar (database versions not stated): TOPMed below 0.00001.
gnomAD v4.1: 1 of 239,160 alleles (0.00042%); highest among the groups gnomAD compares: Middle Eastern, 0.16%; no homozygotes.

Submission:

Labcorp Genetics (formerly Invitae), Labcorp
Classification: Uncertain significance. Last evaluated: 2022-09-29. Review status: criteria provided, single submitter. Criteria: Invitae Variant Classification Sherloc (09022015). Collection method: clinical testing. Allele origin: germline.
Comment: This variant has not been reported in the literature in individuals affected with AP3D1-related conditions. In summary, the available evidence is currently insufficient to determine the role of this variant in disease. Therefore, it has been classified as a Variant of Uncertain Significance. Algorithms developed to predict the effect of missense changes on protein structure and function (SIFT, PolyPhen-2, Align-GVGD) all suggest that this variant is likely to be tolerated. The frequency data for this variant in the population databases is considered unreliable, as metrics indicate poor data quality at this position in the gnomAD database. This sequence change replaces valine, which is neutral and non-polar, with phenylalanine, which is neutral and non-polar, at codon 890 of the AP3D1 protein (p.Val890Phe).